The following is an entry in ClinVar:

NM_144997.7(FLCN):c.865C>G (p.Leu289Val)

Gene: FLCN (folliculin; minus strand). Cytogenetic location: 17p11.2.
Variant type: single nucleotide variant.
Coding change: c.865C>G on transcript NM_144997.7 (MANE Select); coding-DNA position 865, C replaced by G.
Protein change: p.Leu289Val; replaces leucine 289 with valine.
Molecular consequence: missense variant.
Genome position (GRCh38, 1-based): chr17:17,221,543, G>C on the plus strand (C>G on the coding strand, the complement: FLCN is on the minus strand). VCF-style: chr17-17221543-G-C. GRCh37 (hg19) VCF-style: chr17-17124857-G-C.
Other names: c.919C>G, p.Leu307Val (NM_001353229.2); c.865C>G, p.Leu289Val (NM_001353230.2, NM_001353231.2, NM_144606.7); short protein forms L307V, L289V.
Identifiers: ClinVar variation 4025289 (VCV004025289.1).

ClinVar aggregate classification (germline): Uncertain significance (1 of 4 stars; one submission).

Conditions:
Hereditary cancer-predisposing syndrome. Also called: Tumor predisposition; Hereditary neoplastic syndrome; Neoplastic Syndromes, Hereditary; Hereditary Cancer Syndrome. Identifiers: Orphanet 140162, MedGen C0027672, MeSH D009386, MONDO:0015356.

gnomAD v4.1: 6 of 1,613,304 alleles (0.00037%); highest among the groups gnomAD compares: Non-Finnish European, 0.00051%; no homozygotes.

Submission:

Ambry Genetics
Classification: Uncertain significance for Hereditary cancer-predisposing syndrome. Last evaluated: 2025-03-24. Review status: criteria provided, single submitter. Criteria: Ambry Variant Classification Scheme 2023. Collection method: clinical testing. Allele origin: germline.
Comment: The p.L289V variant (also known as c.865C>G), located in coding exon 5 of the FLCN gene, results from a C to G substitution at nucleotide position 865. The leucine at codon 289 is replaced by valine, an amino acid with highly similar properties. This amino acid position is conserved. In addition, the in silico prediction for this alteration is inconclusive. Based on the available evidence, the clinical significance of this variant remains unclear.